The following is an entry in ClinVar:

ClinVar aggregate classification (germline): Conflicting classifications of pathogenicity. Review status: criteria provided, conflicting classifications (1 of 4 stars). 4 submissions from 4 submitters: Uncertain significance (1); Likely benign (3). Last evaluated 2026-08-18.

Conditions:
LYST-related disorder. Also called: LYST-related condition.
Chédiak-Higashi syndrome (CHS). Also called: Chediak-Higashi Syndrome. Identifiers: Orphanet 167, MedGen C0007965, MONDO:0008963, OMIM 214500.

Allele frequency attached by ClinVar (database versions not stated): gnomAD exomes 0.00005 and 0.00017; ExAC 0.00018; ESP Exome Variant Server 0.00031; gnomAD 0.00045 and 0.00054; TOPMed 0.00049 and 0.00057; 1000 Genomes Project 0.00120; 1000 Genomes Project 30x 0.00141.
gnomAD v4.1: 156 of 1,614,000 alleles (0.0097%); highest among the groups gnomAD compares: African/African-American, 0.18%; no homozygotes.

Submissions (4):

PreventionGenetics, part of Exact Sciences
Classification: Likely benign for LYST-related condition. Last evaluated: 2026-08-18. Review status: criteria provided, single submitter. Criteria: ACMG Guidelines, 2015. Collection method: clinical testing. Allele origin: germline.
Comment: This variant is classified as likely benign based on ACMG/AMP sequence variant interpretation guidelines (Richards et al. 2015 PMID: 25741868, with internal and published modifications).

Labcorp Genetics (formerly Invitae), Labcorp
Classification: Likely benign for Chédiak-Higashi syndrome. Last evaluated: 2026-01-06. Review status: criteria provided, single submitter. Criteria: Invitae Variant Classification Sherloc (09022015). Collection method: clinical testing. Allele origin: germline.

Blueprint Genetics
Classification: Likely benign. Last evaluated: 2024-11-12. Review status: criteria provided, single submitter. Criteria: ACMG Guidelines, 2015. Collection method: clinical testing. Allele origin: germline.

GeneDx
Classification: Uncertain significance. Last evaluated: 2023-12-23. Review status: criteria provided, single submitter. Criteria: GeneDx Variant Classification Process June 2021. Collection method: clinical testing. Allele origin: germline. Affected: yes.
Comment: Has not been previously published as pathogenic or benign to our knowledge; In silico analysis supports that this missense variant does not alter protein structure/function

NM_000081.4(LYST):c.3217A>G (p.Ile1073Val)

Gene: LYST (lysosomal trafficking regulator; minus strand). Cytogenetic location: 1q42.3.
Variant type: single nucleotide variant.
Coding change: c.3217A>G on transcript NM_000081.4 (MANE Select); coding-DNA position 3217, A replaced by G.
Protein change: p.Ile1073Val; replaces isoleucine 1073 with valine.
Molecular consequence: missense variant.
Genome position (GRCh38, 1-based): chr1:235,805,919, T>C on the plus strand (A>G on the coding strand, the complement: LYST is on the minus strand). VCF-style: chr1-235805919-T-C. GRCh37 (hg19) VCF-style: chr1-235969219-T-C.
Other names: c.3217A>G, p.Ile1073Val (NM_001301365.1); c.3217A>G (NM_000081.2); short protein forms I1073V.
Identifiers: ClinVar variation 525170 (VCV000525170.14), dbSNP rs151130915, ClinGen allele CA1467120.